The following is an entry in ClinVar:

ClinVar aggregate classification (germline): Uncertain significance (1 of 4 stars; one submission).

Conditions:
Mucopolysaccharidosis, MPS-III-C (MPS3C). Also called: SANFILIPPO SYNDROME C; MPS III C; MPS IIIC (Sanfilippo Syndrome Type C); MUCOPOLYSACCHARIDOSIS, TYPE IIIC; Mucopolysaccharidosis type IIIC (Sanfilippo C); mucopolysaccharidosis type 3C. Identifiers: Orphanet 581, Orphanet 79271, MedGen C0086649, MONDO:0009657, OMIM 252930.
Retinitis pigmentosa 73 (RP73). Identifiers: Orphanet 791, MedGen C4225287, MONDO:0014687, OMIM 616544.

Submission:

Labcorp Genetics (formerly Invitae), Labcorp
Classification: Uncertain significance for Retinitis pigmentosa 73; Mucopolysaccharidosis, MPS-III-C. Last evaluated: 2021-10-25. Review status: criteria provided, single submitter. Criteria: Invitae Variant Classification Sherloc (09022015). Collection method: clinical testing. Allele origin: germline.
Comment: This sequence change replaces serine with asparagine at codon 104 of the HGSNAT protein (p.Ser104Asn). The serine residue is moderately conserved and there is a small physicochemical difference between serine and asparagine. This variant is not present in population databases (ExAC no frequency). This variant has not been reported in the literature in individuals with HGSNAT-related conditions. Advanced modeling of protein sequence and biophysical properties (such as structural, functional, and spatial information, amino acid conservation, physicochemical variation, residue mobility, and thermodynamic stability) performed at Invitae indicates that this missense variant is not expected to disrupt HGSNAT protein function. In summary, the available evidence is currently insufficient to determine the role of this variant in disease. Therefore, it has been classified as a Variant of Uncertain Significance.

NM_152419.3(HGSNAT):c.311G>A (p.Ser104Asn)

Gene: HGSNAT (heparan-alpha-glucosaminide N-acetyltransferase; plus strand). Cytogenetic location: 8p11.21.
Variant type: single nucleotide variant.
Coding change: c.311G>A on transcript NM_152419.3 (MANE Select); coding-DNA position 311, G replaced by A.
Protein change: p.Ser104Asn; replaces serine 104 with asparagine.
Molecular consequence: missense variant. On other transcripts: 5 prime UTR variant (1).
Genome position (GRCh38, 1-based): chr8:43,158,651, G>A. VCF-style: chr8-43158651-G-A. GRCh37 (hg19) VCF-style: chr8-43013794-G-A.
Other names: c.311G>A, p.Ser104Asn (NM_001363227.2, NM_001363228.2); c.-523G>A (NM_001363229.2); short protein forms S104N.
Identifiers: ClinVar variation 1523938 (VCV001523938.3), dbSNP rs1586712145, ClinGen allele CA371125176.
Genomic context (GRCh38, chr8:43,158,651, plus strand): 5'-TGGTAAACGTTCCTCAGAGTCCAAAAGCAGGGAAGCCTAGTGCTGCAGCTGCCTCTGTCA[G>A]CACCCAGCACGGATCTATCCTGCAGCTGAACGACACCTTGGAAGAGAAAGAAGTTTGTAG-3'
Protein context (NP_689632.2, residues 94-114): GKPSAAAASV[Ser104Asn]TQHGSILQLN